The following is an entry in ClinVar:

ClinVar aggregate classification (germline): Uncertain significance (1 of 4 stars; one submission).

Conditions:
T-cell immunodeficiency, congenital alopecia, and nail dystrophy. Also called: Congenital alopecia and nail dystrophy associated with severe functional T-cell immunodeficiency; Pignata Guarino syndrome. Identifiers: Orphanet 169095, MedGen C1866426, MONDO:0011132, OMIM 601705.

Submission:

Labcorp Genetics (formerly Invitae), Labcorp
Classification: Uncertain significance for T-cell immunodeficiency, congenital alopecia, and nail dystrophy. Last evaluated: 2025-06-27. Review status: criteria provided, single submitter. Criteria: Invitae Variant Classification Sherloc (09022015). Collection method: clinical testing. Allele origin: germline.
Comment: This sequence change replaces proline, which is neutral and non-polar, with threonine, which is neutral and polar, at codon 511 of the FOXN1 protein (p.Pro511Thr). This variant is not present in population databases (gnomAD no frequency). This variant has not been reported in the literature in individuals affected with FOXN1-related conditions. Invitae Evidence Modeling of protein sequence and biophysical properties (such as structural, functional, and spatial information, amino acid conservation, physicochemical variation, residue mobility, and thermodynamic stability) indicates that this missense variant is not expected to disrupt FOXN1 protein function with a negative predictive value of 80%. In summary, the available evidence is currently insufficient to determine the role of this variant in disease. Therefore, it has been classified as a Variant of Uncertain Significance.

NM_001369369.1(FOXN1):c.1531C>A (p.Pro511Thr)

Gene: FOXN1 (forkhead box N1; plus strand). Cytogenetic location: 17q11.2.
Variant type: single nucleotide variant.
Coding change: c.1531C>A on transcript NM_001369369.1 (MANE Select); coding-DNA position 1531, C replaced by A.
Protein change: p.Pro511Thr; replaces proline 511 with threonine.
Molecular consequence: missense variant.
Genome position (GRCh38, 1-based): chr17:28,535,102, C>A. VCF-style: chr17-28535102-C-A. GRCh37 (hg19) VCF-style: chr17-26862120-C-A.
Other names: c.1531C>A, p.Pro511Thr (NM_003593.3); short protein forms P511T.
Identifiers: ClinVar variation 4774555 (VCV004774555.1).